The following is an entry in ClinVar:

NM_018263.6(ASXL2):c.1772G>A (p.Arg591His)

Gene: ASXL2 (ASXL transcriptional regulator 2; minus strand). Cytogenetic location: 2p23.3.
Variant type: single nucleotide variant.
Coding change: c.1772G>A on transcript NM_018263.6 (MANE Select); coding-DNA position 1772, G replaced by A.
Protein change: p.Arg591His; replaces arginine 591 with histidine.
Molecular consequence: missense variant.
Genome position (GRCh38, 1-based): chr2:25,749,784, C>T on the plus strand (G>A on the coding strand, the complement: ASXL2 is on the minus strand). VCF-style: chr2-25749784-C-T. GRCh37 (hg19) VCF-style: chr2-25972653-C-T.
Other names: c.1598G>A, p.Arg533His (NM_001369346.1); c.992G>A, p.Arg331His (NM_001369347.1); short protein forms R331H, R533H, R591H.
Identifiers: ClinVar variation 714109 (VCV000714109.14), dbSNP rs146506022, ClinGen allele CA1557765.

ClinVar aggregate classification (germline): Benign/Likely benign. Review status: criteria provided, multiple submitters, no conflicts (2 of 4 stars). 4 submissions from 4 submitters: Benign (2); Likely benign (1). 1 of the submissions does not count toward it. Last evaluated 2026-01-12.

Conditions:
ASXL2-related disorder. Also called: ASXL2-related condition.

Allele frequency attached by ClinVar (database versions not stated): gnomAD exomes 0.00066; ExAC 0.00081; 1000 Genomes Project 30x 0.00219; 1000 Genomes Project 0.00220; gnomAD 0.00247 and 0.00260; TOPMed 0.00288; ESP Exome Variant Server 0.00297.
gnomAD v4.1: 814 of 1,603,188 alleles (0.051%); highest among the groups gnomAD compares: African/African-American, 0.86%; 2 homozygotes.

Submissions (4):

Labcorp Genetics (formerly Invitae), Labcorp
Classification: Benign. Last evaluated: 2026-01-12. Review status: criteria provided, single submitter. Criteria: Invitae Variant Classification Sherloc (09022015). Collection method: clinical testing. Allele origin: germline.

Blueprint Genetics
Classification: Likely benign. Last evaluated: 2024-10-22. Review status: criteria provided, single submitter. Criteria: ACMG Guidelines, 2015. Collection method: clinical testing. Allele origin: germline.

Breakthrough Genomics
Classification: Benign. Review status: criteria provided, single submitter. Criteria: ACMG Guidelines, 2015. Collection method: not provided. Allele origin: germline. Inheritance: Autosomal dominant inheritance. Affected: yes.

PreventionGenetics, part of Exact Sciences
Classification: Benign for ASXL2-related condition. Last evaluated: 2019-10-28. Review status: no assertion criteria provided. Collection method: clinical testing. Allele origin: germline. Not counted in ClinVar's aggregate classification.
Comment: This variant is classified as benign based on ACMG/AMP sequence variant interpretation guidelines (Richards et al. 2015 PMID: 25741868, with internal and published modifications).